The following is an entry in ClinVar:

NM_017780.4(CHD7):c.8550T>G (p.Asn2850Lys)

Gene: CHD7 (chromodomain helicase DNA binding protein 7; plus strand). Cytogenetic location: 8q12.2.
Variant type: single nucleotide variant.
Coding change: c.8550T>G on transcript NM_017780.4 (MANE Select); coding-DNA position 8550, T replaced by G.
Protein change: p.Asn2850Lys; replaces asparagine 2850 with lysine.
Molecular consequence: missense variant.
Genome position (GRCh38, 1-based): chr8:60,865,489, T>G. VCF-style: chr8-60865489-T-G. GRCh37 (hg19) VCF-style: chr8-61778048-T-G.
Other names: c.2403T>G, p.Asn801Lys (NM_001316690.1); short protein forms N801K, N2850K.
Identifiers: ClinVar variation 2057471 (VCV002057471.4), dbSNP rs199565939, ClinGen allele CA371310433.
Genomic context (GRCh38, chr8:60,865,489, plus strand): 5'-TTCTAGTCAAGGAGAACCGGAAGACAGCACTTCAAAAGGAGAGGAGAAAGGAAATGAGAA[T>G]GAAGACGAGAACAAAGACTCTGAGAAAAGCACAGATGCTGTTTCGGCTGCTGACTCTGCG-3'
Protein context (NP_060250.2, residues 2840-2860): TSKGEEKGNE[Asn2850Lys]EDENKDSEKS

ClinVar aggregate classification (germline): Uncertain significance (1 of 4 stars; one submission).

Conditions:
CHARGE syndrome (CHARGE). Also called: Hittner Hirsch Kreh syndrome; CHARGE ASSOCIATION--COLOBOMA, HEART ANOMALY, CHOANAL ATRESIA, RETARDATION, GENITAL AND EAR ANOMALIES; Coloboma, heart anomaly, choanal atresia, retardation, genital and ear anomalies; CHARGE association; Hall-Hittner syndrome. Identifiers: Orphanet 138, MedGen C0265354, MONDO:0008965.

Submission:

Labcorp Genetics (formerly Invitae), Labcorp
Classification: Uncertain significance for CHARGE syndrome. Last evaluated: 2022-08-12. Review status: criteria provided, single submitter. Criteria: Invitae Variant Classification Sherloc (09022015). Collection method: clinical testing. Allele origin: germline.
Comment: In summary, the available evidence is currently insufficient to determine the role of this variant in disease. Therefore, it has been classified as a Variant of Uncertain Significance. Advanced modeling of protein sequence and biophysical properties (such as structural, functional, and spatial information, amino acid conservation, physicochemical variation, residue mobility, and thermodynamic stability) performed at Invitae indicates that this missense variant is not expected to disrupt CHD7 protein function. This variant has not been reported in the literature in individuals affected with CHD7-related conditions. This variant is not present in population databases (gnomAD no frequency). This sequence change replaces asparagine, which is neutral and polar, with lysine, which is basic and polar, at codon 2850 of the CHD7 protein (p.Asn2850Lys).